The following is an entry in ClinVar:

ClinVar aggregate classification (germline): Conflicting classifications of pathogenicity. Review status: criteria provided, conflicting classifications (1 of 4 stars). 3 submissions from 3 submitters: Likely pathogenic (1); Uncertain significance (2). Last evaluated 2026-04-28.

Conditions:
Complex cortical dysplasia with other brain malformations 7. Identifiers: Orphanet 300573, MedGen C3552236, MONDO:0012399, OMIM 610031.

Submissions (3):

Lupski Lab, Baylor-Hopkins CMG, Baylor College of Medicine
Classification: Likely pathogenic for Complex cortical dysplasia with other brain malformations 7. Last evaluated: 2026-04-28. Review status: criteria provided, single submitter. Criteria: ACMG Guidelines, 2015. Collection method: research. Allele origin: de novo. Inheritance: Sporadic. Affected: yes. Observed: 1 variant allele, 1 heterozygote.
Comment: The NM_178012.5 c.43C>A variant is a de novo and heterozygous missense variant in TUBB2B. This variant is absent in gnomAD v4 (PM2_Supporting) and is located in an evolutionarily constrained region. Approximately 95% of missense variants in TUBB2B are pathogenic (PP2_Supporting). In summary, this variant meets criteria to be classified as LIKELY PATHOGENIC for TUBB2B-associated disease based on the ACMG/AMP criteria applied: PS2_Strong, PM2_Supporting, PP2_Supporting.

GeneDx
Classification: Uncertain significance. Last evaluated: 2019-09-17. Review status: criteria provided, single submitter. Criteria: GeneDx Variant Classification Process June 2021. Collection method: clinical testing. Allele origin: germline. Affected: yes.
Comment: Not observed in large population cohorts (Lek et al., 2016); The majority of missense variants in this gene are considered pathogenic (Stenson et al., 2014); In silico analysis, which includes protein predictors and evolutionary conservation, supports that this variant does not alter protein structure/function; Has not been previously published as pathogenic or benign to our knowledge

HudsonAlpha Institute for Biotechnology
Classification: Uncertain significance for Complex cortical dysplasia with other brain malformations 7. Last evaluated: 2017-10-12. Review status: criteria provided, single submitter. Criteria: HA_assertions_20161101. Collection method: research. Allele origin: unknown. Affected: yes. Observed: 1 variant allele. Study: CSER-HudsonAlpha.

Literature cited by the submitters: DOI 10.64898/2025.12.28.25342917 (cited by Lupski Lab, Baylor-Hopkins CMG, Baylor College of Medicine).

NM_178012.5(TUBB2B):c.43C>A (p.Gln15Lys)

Gene: TUBB2B (tubulin beta 2B class IIb; minus strand). Cytogenetic location: 6p25.2.
Variant type: single nucleotide variant.
Coding change: c.43C>A on transcript NM_178012.5 (MANE Select); coding-DNA position 43, C replaced by A.
Protein change: p.Gln15Lys; replaces glutamine 15 with lysine.
Molecular consequence: missense variant.
Genome position (GRCh38, 1-based): chr6:3,227,501, G>T on the plus strand (C>A on the coding strand, the complement: TUBB2B is on the minus strand). VCF-style: chr6-3227501-G-T. GRCh37 (hg19) VCF-style: chr6-3227735-G-T.
Other names: short protein forms Q15K.
Identifiers: ClinVar variation 426326 (VCV000426326.3), dbSNP rs1085307566, ClinGen allele CA362590362.